The following is an entry in ClinVar:

ClinVar aggregate classification (germline): Benign/Likely benign. Review status: criteria provided, multiple submitters, no conflicts (2 of 4 stars). 3 submissions from 3 submitters: Benign (1); Likely benign (2). Last evaluated 2024-07-18.

Conditions:
Hereditary cancer-predisposing syndrome. Also called: Tumor predisposition; Hereditary neoplastic syndrome; Neoplastic Syndromes, Hereditary; Hereditary Cancer Syndrome. Identifiers: Orphanet 140162, MedGen C0027672, MeSH D009386, MONDO:0015356.
Familial cancer of breast. Also called: hereditary breast carcinoma; BREAST CANCER, FAMILIAL; Hereditary breast cancer. Identifiers: Orphanet 227535, MedGen C0346153, MONDO:0016419, OMIM 114480. Disease mechanism: loss of function.

Allele frequency attached by ClinVar (database versions not stated): gnomAD exomes below 0.00001.
gnomAD v4.1: 1 of 1,587,384 alleles (0.000063%); no homozygotes.

Submissions (3):

Myriad Genetics, Inc.
Classification: Benign for Familial cancer of breast. Last evaluated: 2024-07-18. Review status: criteria provided, single submitter. Criteria: Myriad Autosomal Dominant, Autosomal Recessive and X-Linked Classification Criteria (2023). Collection method: clinical testing. Allele origin: unknown.
Comment: This variant is considered benign. This variant is a silent/synonymous amino acid change and it is not expected to impact splicing.

Labcorp Genetics (formerly Invitae), Labcorp
Classification: Likely benign for Familial cancer of breast. Last evaluated: 2022-07-29. Review status: criteria provided, single submitter. Criteria: Invitae Variant Classification Sherloc (09022015). Collection method: clinical testing. Allele origin: germline.

Ambry Genetics
Classification: Likely benign for Hereditary cancer-predisposing syndrome. Last evaluated: 2022-02-15. Review status: criteria provided, single submitter. Criteria: Ambry Variant Classification Scheme 2023. Collection method: clinical testing. Allele origin: germline.

NM_000465.4(BARD1):c.42C>T (p.Ile14=)

Gene: BARD1 (BRCA1 associated RING domain 1; minus strand). Cytogenetic location: 2q35.
Variant type: single nucleotide variant.
Coding change: c.42C>T on transcript NM_000465.4 (MANE Select); coding-DNA position 42, C replaced by T.
Protein change: p.Ile14=; no amino-acid change (isoleucine 14 retained).
Molecular consequence: synonymous variant. On other transcripts: non-coding transcript variant (3).
Genome position (GRCh38, 1-based): chr2:214,809,528, G>A on the plus strand (C>T on the coding strand, the complement: BARD1 is on the minus strand). VCF-style: chr2-214809528-G-A. GRCh37 (hg19) VCF-style: chr2-215674252-G-A.
Other names: c.42C>T, p.Ile14= (NM_001282543.2, NM_001282545.2, NM_001282548.2 and 1 more transcripts).
Identifiers: ClinVar variation 1592027 (VCV001592027.12), dbSNP rs746266678, ClinGen allele CA2090534.